The following is an entry in ClinVar:

NM_005045.4(RELN):c.1037A>G (p.Asp346Gly)

Gene: RELN (reelin; minus strand). Cytogenetic location: 7q22.1.
Variant type: single nucleotide variant.
Coding change: c.1037A>G on transcript NM_005045.4 (MANE Select); coding-DNA position 1037, A replaced by G.
Protein change: p.Asp346Gly; replaces aspartic acid 346 with glycine.
Molecular consequence: missense variant.
Genome position (GRCh38, 1-based): chr7:103,697,959, T>C on the plus strand (A>G on the coding strand, the complement: RELN is on the minus strand). VCF-style: chr7-103697959-T-C. GRCh37 (hg19) VCF-style: chr7-103338406-T-C.
Other names: c.1037A>G, p.Asp346Gly (NM_173054.3); short protein forms D346G.
Identifiers: ClinVar variation 2923700 (VCV002923700.3), dbSNP rs2484931727, ClinGen allele CA368927626.

ClinVar aggregate classification (germline): Uncertain significance (1 of 4 stars; one submission).

Conditions:
Norman-Roberts syndrome (LIS2). Also called: Lissencephaly 2 (Norman-Roberts type). Identifiers: Orphanet 89844, MedGen C0796089, MONDO:0009760, OMIM 257320.
Familial temporal lobe epilepsy 7. Identifiers: Orphanet 101046, MedGen C4225327, MONDO:0014639, OMIM 616436.

Allele frequency attached by ClinVar (database versions not stated): gnomAD exomes below 0.00001.
gnomAD v4.1: 5 of 1,613,808 alleles (0.00031%); highest among the groups gnomAD compares: Non-Finnish European, 0.00042%; no homozygotes.

Submission:

Labcorp Genetics (formerly Invitae), Labcorp
Classification: Uncertain significance for Familial temporal lobe epilepsy 7; Norman-Roberts syndrome. Last evaluated: 2023-09-30. Review status: criteria provided, single submitter. Criteria: Invitae Variant Classification Sherloc (09022015). Collection method: clinical testing. Allele origin: germline.
Comment: In summary, the available evidence is currently insufficient to determine the role of this variant in disease. Therefore, it has been classified as a Variant of Uncertain Significance. Advanced modeling of protein sequence and biophysical properties (such as structural, functional, and spatial information, amino acid conservation, physicochemical variation, residue mobility, and thermodynamic stability) performed at Invitae indicates that this missense variant is not expected to disrupt RELN protein function. This variant has not been reported in the literature in individuals affected with RELN-related conditions. This variant is not present in population databases (gnomAD no frequency). This sequence change replaces aspartic acid, which is acidic and polar, with glycine, which is neutral and non-polar, at codon 346 of the RELN protein (p.Asp346Gly).